The following is an entry in ClinVar:

ClinVar aggregate classification (germline): Uncertain significance (1 of 4 stars; one submission).

Conditions:
Inborn genetic diseases. Identifiers: MedGen C0950123, MeSH D030342.

Submission:

Ambry Genetics
Classification: Uncertain significance for Inborn genetic diseases. Last evaluated: 2025-06-06. Review status: criteria provided, single submitter. Criteria: Ambry Variant Classification Scheme 2023. Collection method: clinical testing. Allele origin: germline.
Comment: The p.R1247G variant (also known as c.3739C>G), located in coding exon 13 of the ASXL1 gene, results from a C to G substitution at nucleotide position 3739. The arginine at codon 1247 is replaced by glycine, an amino acid with dissimilar properties. This amino acid position is conserved. In addition, this alteration is predicted to be tolerated by in silico analysis. Based on the available evidence, the clinical significance of this variant remains unclear.

NM_015338.6(ASXL1):c.3739C>G (p.Arg1247Gly)

Gene: ASXL1 (ASXL transcriptional regulator 1; plus strand). Cytogenetic location: 20q11.21.
Variant type: single nucleotide variant.
Coding change: c.3739C>G on transcript NM_015338.6 (MANE Select); coding-DNA position 3739, C replaced by G.
Protein change: p.Arg1247Gly; replaces arginine 1247 with glycine.
Molecular consequence: missense variant.
Genome position (GRCh38, 1-based): chr20:32,436,451, C>G. VCF-style: chr20-32436451-C-G. GRCh37 (hg19) VCF-style: chr20-31024254-C-G.
Other names: c.3556C>G, p.Arg1186Gly (NM_001363734.1); short protein forms R1186G, R1247G.
Identifiers: ClinVar variation 3957644 (VCV003957644.1).
Genomic context (GRCh38, chr20:32,436,451, plus strand): 5'-GAAGAAATGGATTCCAAAGAGCAGTTCTCTTCCTTTAGTTGTGAAGATCAGAAGGAAGTC[C>G]GTGCTATGTCACAGGACAGTAATTCAAATGCTGCTCCAGGAAAGAGCCCAGGAGATCTTA-3'
Protein context (NP_056153.2, residues 1237-1257): SFSCEDQKEV[Arg1247Gly]AMSQDSNSNA